The following is an entry in ClinVar:

ClinVar aggregate classification (germline): Uncertain significance. Review status: criteria provided, multiple submitters, no conflicts (2 of 4 stars). 4 submissions from 4 submitters: Uncertain significance (4). Last evaluated 2026-04-13.

Conditions:
Congenital multicore myopathy with external ophthalmoplegia (CMYO1B). Also called: MULTICORE MYOPATHY; MULTIMINICORE DISEASE WITH EXTERNAL OPHTHALMOPLEGIA; Congenital myopathy 1B, autosomal recessive; Minicore myopathy; Minicore myopathy with external ophthalmoplegia. Identifiers: Orphanet 598, Orphanet 98905, MedGen C1850674, MONDO:0009712, OMIM 255320, HP:0003789.
King Denborough syndrome (KDS). Identifiers: MedGen C1840365, MONDO:0020485, OMIM 619542.
Congenital myopathy with fiber type disproportion. Also called: Congenital fiber-type disproportion; Congenital fiber-type disproportion myopathy. Identifiers: Orphanet 2020, MedGen C0546264, MONDO:0009711. Inheritance: all.
Malignant hyperthermia, susceptibility to, 1 (MHS1). Also called: RYR1-Related Malignant Hyperthermia Susceptibility; Anesthesia related hyperthermia; Malignant hyperpyrexia; Fulminating hyperpyrexia; Pharmacogenic myopathy; Malignant hyperthermia suceptibility 1. Identifiers: Orphanet 423, MedGen C2930980, MONDO:0007783, OMIM 145600.
Central core myopathy (CMYO1A). Also called: Central core disease; Myopathy, central fibrillar; CONGENITAL MYOPATHY 1A, AUTOSOMAL DOMINANT, WITH SUSCEPTIBILITY TO MALIGNANT HYPERTHERMIA. Identifiers: Orphanet 597, MedGen C5830701, MONDO:0007294, OMIM 117000.
RYR1-related disorder. Also called: RYR1-related condition; RYR1-related disorders. Identifiers: MedGen CN239331.

Allele frequency attached by ClinVar (database versions not stated): TOPMed 0.00001.
gnomAD v4.1: 50 of 1,614,032 alleles (0.0031%); highest among the groups gnomAD compares: Non-Finnish European, 0.0042%; no homozygotes.

Submissions (4):

PreventionGenetics, part of Exact Sciences
Classification: Uncertain significance for RYR1-related condition. Last evaluated: 2026-04-13. Review status: criteria provided, single submitter. Criteria: ACMG Guidelines, 2015. Collection method: clinical testing. Allele origin: germline.
Comment: The RYR1 c.7243C>G variant is predicted to result in the amino acid substitution p.Arg2415Gly. To our knowledge, this variant has not been reported in the literature. This variant is reported in 0.0044% of alleles in individuals of European (non-Finnish) descent in gnomAD. At this time, the clinical significance of this variant is uncertain due to the absence of conclusive functional and genetic evidence.

Color Diagnostics, LLC DBA Color Health
Classification: Uncertain significance for Malignant hyperthermia, susceptibility to, 1. Last evaluated: 2023-08-31. Review status: criteria provided, single submitter. Criteria: ACMG Guidelines, 2015. Collection method: clinical testing. Allele origin: germline.
Comment: This missense variant replaces arginine with glycine at codon 2415 of the RYR1 protein. Computational prediction is inconclusive regarding the impact of this variant on protein structure and function. To our knowledge, functional studies have not been reported for this variant. This variant has not been reported in individuals affected with RYR1-related disorders in the literature. This variant has been identified in 5/251404 chromosomes in the general population by the Genome Aggregation Database (gnomAD). The available evidence is insufficient to determine the role of this variant in disease conclusively. Therefore, this variant is classified as a Variant of Uncertain Significance.

Labcorp Genetics (formerly Invitae), Labcorp
Classification: Uncertain significance for RYR1-related disorder. Last evaluated: 2022-07-30. Review status: criteria provided, single submitter. Criteria: Invitae Variant Classification Sherloc (09022015). Collection method: clinical testing. Allele origin: germline.
Comment: This sequence change replaces arginine, which is basic and polar, with glycine, which is neutral and non-polar, at codon 2415 of the RYR1 protein (p.Arg2415Gly). This variant is present in population databases (rs368013861, gnomAD 0.004%). This variant has not been reported in the literature in individuals affected with RYR1-related conditions. ClinVar contains an entry for this variant (Variation ID: 1019661). Advanced modeling of protein sequence and biophysical properties (such as structural, functional, and spatial information, amino acid conservation, physicochemical variation, residue mobility, and thermodynamic stability) performed at Invitae indicates that this missense variant is not expected to disrupt RYR1 protein function. In summary, the available evidence is currently insufficient to determine the role of this variant in disease. Therefore, it has been classified as a Variant of Uncertain Significance.

Fulgent Genetics
Classification: Uncertain significance for Central core myopathy; Malignant hyperthermia, susceptibility to, 1; Congenital myopathy 4A, autosomal dominant; Congenital multicore myopathy with external ophthalmoplegia; King Denborough syndrome. Last evaluated: 2021-10-30. Review status: criteria provided, single submitter. Criteria: ACMG Guidelines, 2015. Collection method: clinical testing. Allele origin: unknown.

NM_000540.3(RYR1):c.7243C>G (p.Arg2415Gly)

Gene: RYR1 (ryanodine receptor 1; plus strand). Cytogenetic location: 19q13.2.
Variant type: single nucleotide variant.
Coding change: c.7243C>G on transcript NM_000540.3 (MANE Select); coding-DNA position 7243, C replaced by G.
Protein change: p.Arg2415Gly; replaces arginine 2415 with glycine.
Molecular consequence: missense variant.
Genome position (GRCh38, 1-based): chr19:38,499,936, C>G. VCF-style: chr19-38499936-C-G. GRCh37 (hg19) VCF-style: chr19-38990576-C-G.
Other names: c.7243C>G, p.Arg2415Gly (NM_001042723.2); c.7243C>G (NM_000540.2); short protein forms R2415G.
Identifiers: ClinVar variation 1019661 (VCV001019661.9), dbSNP rs368013861, ClinGen allele CA069335.
Genomic context (GRCh38, chr19:38,499,936, plus strand): 5'-CTGCCTCCCCAACCCACCCACCTTCCCTGCAGCTTTGGTGAGGAACCGCCTGAAGAAAAC[C>G]GGGTGCACCTGGGACACGCCATCATGTCCTTCTATGCCGCCTTGATCGACCTGCTCGGAC-3'
Protein context (NP_000531.2, residues 2405-2425): HFGEEPPEEN[Arg2415Gly]VHLGHAIMSF